The following is an entry in ClinVar:

NM_199420.4(POLQ):c.7395G>T (p.Glu2465Asp)

Gene: POLQ (DNA polymerase theta; minus strand). Cytogenetic location: 3q13.33.
Variant type: single nucleotide variant.
Coding change: c.7395G>T on transcript NM_199420.4 (MANE Select); coding-DNA position 7395, G replaced by T.
Protein change: p.Glu2465Asp; replaces glutamic acid 2465 with aspartic acid.
Molecular consequence: missense variant.
Genome position (GRCh38, 1-based): chr3:121,436,270, C>A on the plus strand (G>T on the coding strand, the complement: POLQ is on the minus strand). VCF-style: chr3-121436270-C-A. GRCh37 (hg19) VCF-style: chr3-121155117-C-A.
Other names: short protein forms E2465D.
Identifiers: ClinVar variation 1758679 (VCV001758679.2), dbSNP rs1159113877, ClinGen allele CA354096290.

ClinVar aggregate classification (germline): Uncertain significance (1 of 4 stars; one submission).

Allele frequency attached by ClinVar (database versions not stated): TOPMed below 0.00001.

Submission:

Ambry Genetics
Classification: Uncertain significance. Last evaluated: 2024-02-24. Review status: criteria provided, single submitter. Criteria: Ambry Variant Classification Scheme 2023. Collection method: clinical testing. Allele origin: germline.
Comment: The p.E2465D variant (also known as c.7395G>T), located in coding exon 28 of the POLQ gene, results from a G to T substitution at nucleotide position 7395. The glutamic acid at codon 2465 is replaced by aspartic acid, an amino acid with highly similar properties. This amino acid position is conserved. In addition, this alteration is predicted to be deleterious by in silico analysis. Since supporting evidence is limited at this time, the clinical significance of this alteration remains unclear.